The following is an entry in ClinVar:

ClinVar aggregate classification (germline): Pathogenic (1 of 4 stars; one submission).

Submission:

Labcorp Genetics (formerly Invitae), Labcorp
Classification: Pathogenic. Last evaluated: 2023-06-21. Review status: criteria provided, single submitter. Criteria: Invitae Variant Classification Sherloc (09022015). Collection method: clinical testing. Allele origin: germline.
Comment: This sequence change creates a premature translational stop signal (p.Gly732Alafs*50) in the COL2A1 gene. It is expected to result in an absent or disrupted protein product. Loss-of-function variants in COL2A1 are known to be pathogenic (PMID: 20179744). This variant is not present in population databases (gnomAD no frequency). This variant has not been reported in the literature in individuals affected with COL2A1-related conditions. For these reasons, this variant has been classified as Pathogenic.

Literature cited by the submitters: PubMed 20179744.

NC_000012.12:g.47982594_47982612del

Gene: COL2A1 (collagen type II alpha 1 chain; minus strand). Cytogenetic location: 12q13.11.
Variant type: Deletion.
Genome position: GRCh38 VCF-style: chr12-47982589-GCCTGCTGGGCCAGATGCAC-G. GRCh37 (hg19) VCF-style: chr12-48376372-GCCTGCTGGGCCAGATGCAC-G.
Identifiers: ClinVar variation 2720883 (VCV002720883.3), ClinGen allele CA2697559212.